The following is an entry in ClinVar:

ClinVar aggregate classification (germline): Uncertain significance (1 of 4 stars; one submission).

Submission:

Labcorp Genetics (formerly Invitae), Labcorp
Classification: Uncertain significance. Last evaluated: 2023-12-07. Review status: criteria provided, single submitter. Criteria: Invitae Variant Classification Sherloc (09022015). Collection method: clinical testing. Allele origin: germline.
Comment: This variant results in a copy number gain of the genomic region encompassing exon(s) 5 of the CEP89 gene. While the exact position of this variant cannot be determined from the data, sub-genic copy number gains are generally in tandem (PMID: 25640679). This variant is predicted to be out-of-frame, and may result in an absent or disrupted protein product. However, the current clinical and genetic evidence is not sufficient to establish whether loss-of-function variants in CEP89 cause disease. This variant has not been reported in the literature in individuals affected with CEP89-related conditions. In summary, the available evidence is currently insufficient to determine the role of this variant in disease. Therefore, it has been classified as a Variant of Uncertain Significance.

Literature cited by the submitters: PubMed 25640679.

NC_000019.9:g.(?_33439152)_(33439294_?)dup

Gene: CEP89 (centrosomal protein 89; minus strand). Cytogenetic location: 19q13.11.
Variant type: Duplication.
Identifiers: ClinVar variation 1412603 (VCV001412603.5).